The following is an entry in ClinVar:

NM_005477.3(HCN4):c.2432G>C (p.Gly811Ala)

Gene: HCN4 (hyperpolarization activated cyclic nucleotide gated potassium channel 4; minus strand). Cytogenetic location: 15q24.1.
Variant type: single nucleotide variant.
Coding change: c.2432G>C on transcript NM_005477.3 (MANE Select); coding-DNA position 2432, G replaced by C.
Protein change: p.Gly811Ala; replaces glycine 811 with alanine.
Molecular consequence: missense variant.
Genome position (GRCh38, 1-based): chr15:73,323,661, C>G on the plus strand (G>C on the coding strand, the complement: HCN4 is on the minus strand). VCF-style: chr15-73323661-C-G. GRCh37 (hg19) VCF-style: chr15-73616002-C-G.
Other names: short protein forms G811A.
Identifiers: ClinVar variation 1469388 (VCV001469388.8), dbSNP rs776656247, ClinGen allele CA393088903.

ClinVar aggregate classification (germline): Uncertain significance (1 of 4 stars; one submission).

Conditions:
Brugada syndrome 8 (BRGDA8). Identifiers: Orphanet 130, MedGen C2751083, MONDO:0013148, OMIM 613123.

Submission:

Labcorp Genetics (formerly Invitae), Labcorp
Classification: Uncertain significance for Brugada syndrome 8. Last evaluated: 2024-10-04. Review status: criteria provided, single submitter. Criteria: Invitae Variant Classification Sherloc (09022015). Collection method: clinical testing. Allele origin: germline.
Comment: This sequence change replaces glycine, which is neutral and non-polar, with alanine, which is neutral and non-polar, at codon 811 of the HCN4 protein (p.Gly811Ala). This variant is not present in population databases (gnomAD no frequency). This variant has not been reported in the literature in individuals affected with HCN4-related conditions. ClinVar contains an entry for this variant (Variation ID: 1469388). Invitae Evidence Modeling of protein sequence and biophysical properties (such as structural, functional, and spatial information, amino acid conservation, physicochemical variation, residue mobility, and thermodynamic stability) indicates that this missense variant is not expected to disrupt HCN4 protein function with a negative predictive value of 95%. In summary, the available evidence is currently insufficient to determine the role of this variant in disease. Therefore, it has been classified as a Variant of Uncertain Significance.